The following is an entry in ClinVar:

ClinVar aggregate classification (germline): Uncertain significance (1 of 4 stars; one submission).

Conditions:
Charcot-Marie-Tooth disease axonal type 2P. Also called: CHARCOT-MARIE-TOOTH NEUROPATHY, TYPE 2P; CHARCOT-MARIE-TOOTH DISEASE, AXONAL, TYPE 2G; CMT 2G; Charcot-Marie-Tooth Neuropathy Type 2G. Identifiers: Orphanet 300319, Orphanet 99941, MedGen C3280797, MONDO:0013753, OMIM 614436.

gnomAD v4.1: 2 of 1,610,304 alleles (0.00012%); highest among the groups gnomAD compares: Non-Finnish European, 0.00017%; no homozygotes.

Submission:

Labcorp Genetics (formerly Invitae), Labcorp
Classification: Uncertain significance for Charcot-Marie-Tooth disease axonal type 2P. Last evaluated: 2023-06-27. Review status: criteria provided, single submitter. Criteria: Invitae Variant Classification Sherloc (09022015). Collection method: clinical testing. Allele origin: germline.
Comment: This variant is not present in population databases (gnomAD no frequency). In summary, the available evidence is currently insufficient to determine the role of this variant in disease. Therefore, it has been classified as a Variant of Uncertain Significance. Advanced modeling of protein sequence and biophysical properties (such as structural, functional, and spatial information, amino acid conservation, physicochemical variation, residue mobility, and thermodynamic stability) performed at Invitae indicates that this missense variant is expected to disrupt LRSAM1 protein function. This variant has not been reported in the literature in individuals affected with LRSAM1-related conditions. This sequence change replaces glutamine, which is neutral and polar, with arginine, which is basic and polar, at codon 461 of the LRSAM1 protein (p.Gln461Arg).

NM_001005373.4(LRSAM1):c.1382A>G (p.Gln461Arg)

Gene: LRSAM1 (leucine rich repeat and sterile alpha motif containing 1; plus strand). Cytogenetic location: 9q33.3.
Variant type: single nucleotide variant.
Coding change: c.1382A>G on transcript NM_001005373.4 (MANE Select); coding-DNA position 1382, A replaced by G.
Protein change: p.Gln461Arg; replaces glutamine 461 with arginine.
Molecular consequence: missense variant. On other transcripts: non-coding transcript variant (2).
Genome position (GRCh38, 1-based): chr9:127,489,478, A>G. VCF-style: chr9-127489478-A-G. GRCh37 (hg19) VCF-style: chr9-130251757-A-G.
Other names: c.1382A>G, p.Gln461Arg (NM_001005374.4, NM_001190723.3, NM_001384142.1 and 2 more transcripts); c.593A>G, p.Gln198Arg (NM_001384144.1); short protein forms Q461R, Q198R.
Identifiers: ClinVar variation 2915087 (VCV002915087.3), dbSNP rs145382004, ClinGen allele CA374933253.